The following is an entry in ClinVar:

NM_001267550.2(TTN):c.27248C>T (p.Thr9083Ile)

Gene: TTN (titin; minus strand). Cytogenetic location: 2q31.2.
Variant type: single nucleotide variant.
Coding change: c.27248C>T on transcript NM_001267550.2 (MANE Select); coding-DNA position 27248, C replaced by T.
Protein change: p.Thr9083Ile; replaces threonine 9083 with isoleucine.
Molecular consequence: missense variant. On other transcripts: intron variant (3).
Genome position (GRCh38, 1-based): chr2:178,712,777, G>A on the plus strand (C>T on the coding strand, the complement: TTN is on the minus strand). VCF-style: chr2-178712777-G-A. GRCh37 (hg19) VCF-style: chr2-179577504-G-A.
Other names: c.26297C>T, p.Thr8766Ile (NM_001256850.1); c.23516C>T, p.Thr7839Ile (NM_133378.4); c.13282+25305C>T (NM_003319.4); c.13858+25305C>T (NM_133437.4); c.13657+25305C>T (NM_133432.3); short protein forms T7839I, T8766I, T9083I.
Identifiers: ClinVar variation 1704671 (VCV001704671.2), dbSNP rs2528922022, ClinGen allele CA349455456.

ClinVar aggregate classification (germline): Uncertain significance (1 of 4 stars; one submission).

Submission:

GeneDx
Classification: Uncertain significance. Last evaluated: 2022-03-10. Review status: criteria provided, single submitter. Criteria: GeneDx Variant Classification Process June 2021. Collection method: clinical testing. Allele origin: germline. Affected: yes.
Comment: Not observed at significant frequency in large population cohorts (gnomAD); Missense variant in a gene in which most reported pathogenic variants are truncating/loss-of-function; Has not been previously published as pathogenic or benign to our knowledge; This variant is associated with the following publications: (PMID: 23975875)